The following is an entry in ClinVar:

ClinVar aggregate classification (germline): Uncertain significance (1 of 4 stars; one submission).

Conditions:
Fanconi anemia (FA). Also called: Fanconi's anemia. Identifiers: Orphanet 84, MedGen C0015625, MeSH D005199, MONDO:0019391.

Submission:

Labcorp Genetics (formerly Invitae), Labcorp
Classification: Uncertain significance for Fanconi anemia. Last evaluated: 2021-05-01. Review status: criteria provided, single submitter. Criteria: Invitae Variant Classification Sherloc (09022015). Collection method: clinical testing. Allele origin: germline.
Comment: In summary, the available evidence is currently insufficient to determine the role of this variant in disease. Therefore, it has been classified as a Variant of Uncertain Significance. Algorithms developed to predict the effect of missense changes on protein structure and function (SIFT, PolyPhen-2, Align-GVGD) all suggest that this variant is likely to be disruptive, but these predictions have not been confirmed by published functional studies and their clinical significance is uncertain. This variant has not been reported in the literature in individuals with FANCC-related conditions. This variant is not present in population databases (ExAC no frequency). This sequence change replaces leucine with arginine at codon 45 of the FANCC protein (p.Leu45Arg). The leucine residue is highly conserved and there is a moderate physicochemical difference between leucine and arginine.

NM_000136.3(FANCC):c.134T>G (p.Leu45Arg)

Gene: FANCC (FA complementation group C; minus strand). Cytogenetic location: 9q22.32.
Variant type: single nucleotide variant.
Coding change: c.134T>G on transcript NM_000136.3 (MANE Select); coding-DNA position 134, T replaced by G.
Protein change: p.Leu45Arg; replaces leucine 45 with arginine.
Molecular consequence: missense variant.
Genome position (GRCh38, 1-based): chr9:95,249,158, A>C on the plus strand (T>G on the coding strand, the complement: FANCC is on the minus strand). VCF-style: chr9-95249158-A-C. GRCh37 (hg19) VCF-style: chr9-98011440-A-C.
Other names: c.134T>G, p.Leu45Arg (NM_001243743.2, NM_001243744.2); short protein forms L45R.
Identifiers: ClinVar variation 1468840 (VCV001468840.8), dbSNP rs2136100589, ClinGen allele CA374340257.